The following is an entry in ClinVar:

ClinVar aggregate classification (germline): Uncertain significance. Review status: criteria provided, multiple submitters, no conflicts (2 of 4 stars). 2 submissions from 2 submitters: Uncertain significance (2). Last evaluated 2023-12-08.

Conditions:
Familial cancer of breast. Also called: Hereditary breast cancer; BREAST CANCER, FAMILIAL; hereditary breast carcinoma. Identifiers: Orphanet 227535, MedGen C0346153, MONDO:0016419, OMIM 114480. Disease mechanism: loss of function.
Fanconi anemia complementation group J. Also called: BRIP1-Related Fanconi Anemia. Identifiers: Orphanet 84, MedGen C1836860, MONDO:0012187, OMIM 609054.
Hereditary cancer-predisposing syndrome. Also called: Neoplastic Syndromes, Hereditary; Hereditary neoplastic syndrome; Hereditary Cancer Syndrome; Tumor predisposition. Identifiers: Orphanet 140162, MedGen C0027672, MeSH D009386, MONDO:0015356.

Submissions (2):

Ambry Genetics
Classification: Uncertain significance for Hereditary cancer-predisposing syndrome. Last evaluated: 2023-12-08. Review status: criteria provided, single submitter. Criteria: Ambry Variant Classification Scheme 2023. Collection method: clinical testing. Allele origin: germline.
Comment: The p.H804Y variant (also known as c.2410C>T), located in coding exon 16 of the BRIP1 gene, results from a C to T substitution at nucleotide position 2410. The histidine at codon 804 is replaced by tyrosine, an amino acid with similar properties. This amino acid position is conserved. In addition, the in silico prediction for this alteration is inconclusive. Since supporting evidence is limited at this time, the clinical significance of this alteration remains unclear.

Labcorp Genetics (formerly Invitae), Labcorp
Classification: Uncertain significance for Familial cancer of breast; Fanconi anemia complementation group J. Last evaluated: 2021-12-17. Review status: criteria provided, single submitter. Criteria: Invitae Variant Classification Sherloc (09022015). Collection method: clinical testing. Allele origin: germline.
Comment: This sequence change replaces histidine, which is basic and polar, with tyrosine, which is neutral and polar, at codon 804 of the BRIP1 protein (p.His804Tyr). This variant is not present in population databases (gnomAD no frequency). This variant has not been reported in the literature in individuals affected with BRIP1-related conditions. Algorithms developed to predict the effect of missense changes on protein structure and function (SIFT, PolyPhen-2, Align-GVGD) all suggest that this variant is likely to be tolerated. In summary, the available evidence is currently insufficient to determine the role of this variant in disease. Therefore, it has been classified as a Variant of Uncertain Significance.

NM_032043.3(BRIP1):c.2410C>T (p.His804Tyr)

Gene: BRIP1 (BRCA1 interacting DNA helicase 1; minus strand). Cytogenetic location: 17q23.2.
Variant type: single nucleotide variant.
Coding change: c.2410C>T on transcript NM_032043.3 (MANE Select); coding-DNA position 2410, C replaced by T.
Protein change: p.His804Tyr; replaces histidine 804 with tyrosine.
Molecular consequence: missense variant.
Genome position (GRCh38, 1-based): chr17:61,716,033, G>A on the plus strand (C>T on the coding strand, the complement: BRIP1 is on the minus strand). VCF-style: chr17-61716033-G-A. GRCh37 (hg19) VCF-style: chr17-59793394-G-A.
Other names: short protein forms H804Y.
Identifiers: ClinVar variation 2150038 (VCV002150038.2), dbSNP rs2144382688, ClinGen allele CA400479733.